The following is an entry in ClinVar:

ClinVar aggregate classification (germline): Uncertain significance. Review status: criteria provided, multiple submitters, no conflicts (2 of 4 stars). 2 submissions from 2 submitters: Uncertain significance (2). Last evaluated 2025-07-10.

Conditions:
Hereditary cancer-predisposing syndrome. Also called: Neoplastic Syndromes, Hereditary; Tumor predisposition; Hereditary Cancer Syndrome; Hereditary neoplastic syndrome. Identifiers: Orphanet 140162, MedGen C0027672, MeSH D009386, MONDO:0015356.

Submissions (2):

Ambry Genetics
Classification: Uncertain significance for Hereditary cancer-predisposing syndrome. Last evaluated: 2025-07-10. Review status: criteria provided, single submitter. Criteria: Ambry Variant Classification Scheme 2023. Collection method: clinical testing. Allele origin: germline.
Comment: The p.L712V variant (also known as c.2134T>G), located in coding exon 4 of the MSH6 gene, results from a T to G substitution at nucleotide position 2134. The leucine at codon 712 is replaced by valine, an amino acid with highly similar properties. This amino acid position is poorly conserved in available vertebrate species. In addition, this alteration is predicted to be tolerated by in silico analysis. Since supporting evidence is limited at this time, the clinical significance of this alteration remains unclear.

Color Diagnostics, LLC DBA Color Health
Classification: Uncertain significance for Hereditary cancer-predisposing syndrome. Last evaluated: 2024-03-06. Review status: criteria provided, single submitter. Criteria: ACMG Guidelines, 2015. Collection method: clinical testing. Allele origin: germline.
Comment: This missense variant replaces leucine with valine at codon 712 of the MSH6 protein. Computational prediction suggests that this variant may not impact protein structure and function (internally defined REVEL score threshold <= 0.5, PMID: 27666373). To our knowledge, functional studies have not been reported for this variant. This variant has not been reported in individuals affected with hereditary cancer in the literature. This variant has not been identified in the general population by the Genome Aggregation Database (gnomAD). The available evidence is insufficient to determine the role of this variant in disease conclusively. Therefore, this variant is classified as a Variant of Uncertain Significance.

NM_000179.3(MSH6):c.2134T>G (p.Leu712Val)

Gene: MSH6 (mutS homolog 6; plus strand). Cytogenetic location: 2p16.3.
Variant type: single nucleotide variant.
Coding change: c.2134T>G on transcript NM_000179.3 (MANE Select); coding-DNA position 2134, T replaced by G.
Protein change: p.Leu712Val; replaces leucine 712 with valine.
Molecular consequence: missense variant.
Genome position (GRCh38, 1-based): chr2:47,800,117, T>G. VCF-style: chr2-47800117-T-G. GRCh37 (hg19) VCF-style: chr2-48027256-T-G.
Other names: c.1744T>G, p.Leu582Val (NM_001281492.2); c.1228T>G, p.Leu410Val (NM_001281493.2, NM_001281494.2, NM_001406811.1 and 6 more transcripts); c.2230T>G, p.Leu744Val (NM_001406795.1, NM_001406802.1); c.2134T>G, p.Leu712Val (NM_001406796.1, NM_001406798.1, NM_001406800.1 and 3 more transcripts); c.1837T>G, p.Leu613Val (NM_001406797.1, NM_001406801.1, NM_001406805.1 and 10 more transcripts); c.1609T>G, p.Leu537Val (NM_001406799.1, NM_001406806.1, NM_001406807.1); c.2056T>G, p.Leu686Val (NM_001406804.1); c.2140T>G, p.Leu714Val (NM_001406813.1); and 1 more; short protein forms L537V, L582V, L686V, L744V, L613V, L656V, L712V, L410V.
Identifiers: ClinVar variation 1786462 (VCV001786462.6), dbSNP rs780570825, ClinGen allele CA346751048.